The following is an entry in ClinVar:

NM_001372.4(DNAH9):c.1452A>G (p.Glu484=)

Gene: DNAH9 (dynein axonemal heavy chain 9; plus strand). Cytogenetic location: 17p12.
Variant type: single nucleotide variant.
Coding change: c.1452A>G on transcript NM_001372.4 (MANE Select); coding-DNA position 1452, A replaced by G.
Protein change: p.Glu484=; no amino-acid change (glutamic acid 484 retained).
Molecular consequence: synonymous variant.
Genome position (GRCh38, 1-based): chr17:11,629,518, A>G. VCF-style: chr17-11629518-A-G. GRCh37 (hg19) VCF-style: chr17-11532835-A-G.
Other names: p.Glu484=.
Identifiers: ClinVar variation 402774 (VCV000402774.18), dbSNP rs9895535, ClinGen allele CA8394852.

ClinVar aggregate classification (germline): Benign. Review status: criteria provided, multiple submitters, no conflicts (2 of 4 stars). 6 submissions from 6 submitters: Benign (6). Last evaluated 2026-02-04.

Allele frequency attached by ClinVar (database versions not stated): gnomAD exomes 0.30473 and 0.31183; ExAC 0.32357; 1000 Genomes Project 0.39277; 1000 Genomes Project 30x 0.39834; gnomAD 0.41352 and 0.42388; TOPMed 0.41745; ESP Exome Variant Server 0.44149.
gnomAD v4.1: 509,028 of 1,613,356 alleles (32%); highest among the groups gnomAD compares: African/African-American, 72%; 88,842 homozygotes.

Submissions (6):

Labcorp Genetics (formerly Invitae), Labcorp
Classification: Benign. Last evaluated: 2026-02-04. Review status: criteria provided, single submitter. Criteria: Invitae Variant Classification Sherloc (09022015). Collection method: clinical testing. Allele origin: germline.

Blueprint Genetics
Classification: Benign. Last evaluated: 2024-11-28. Review status: criteria provided, single submitter. Criteria: ACMG Guidelines, 2015. Collection method: clinical testing. Allele origin: germline.

Mayo Clinic Laboratories, Mayo Clinic
Classification: Benign. Last evaluated: 2022-04-26. Review status: criteria provided, single submitter. Criteria: ACMG Guidelines, 2015. Collection method: clinical testing. Allele origin: germline. Observed: 107 variant alleles.

GeneDx
Classification: Benign. Last evaluated: 2021-05-04. Review status: criteria provided, single submitter. Criteria: GeneDx Variant Classification Process June 2021. Collection method: clinical testing. Allele origin: germline. Affected: yes.

Laboratory for Molecular Medicine, Mass General Brigham Personalized Medicine
Classification: Benign. Last evaluated: 2016-03-28. Review status: criteria provided, single submitter. Criteria: LMM Criteria. Collection method: clinical testing. Allele origin: germline.
Comment: Variant identified in a genome or exome case(s) and assessed due to predicted null impact of the variant or pathogenic assertions in the literature or databases. Disclaimer: This variant has not undergone full assessment. The following are preliminary notes: Frequency

Breakthrough Genomics
Classification: Benign. Review status: criteria provided, single submitter. Criteria: ACMG Guidelines, 2015. Collection method: not provided. Allele origin: germline. Inheritance: Autosomal recessive inheritance. Affected: yes.